The following is an entry in ClinVar:

ClinVar aggregate classification (germline): Uncertain significance. Review status: criteria provided, multiple submitters, no conflicts (2 of 4 stars). 2 submissions from 2 submitters: Uncertain significance (2). Last evaluated 2025-08-07.

Conditions:
Werner syndrome (WRN). Identifiers: Orphanet 902, MedGen C0043119, MONDO:0010196, OMIM 277700.

Allele frequency attached by ClinVar (database versions not stated): gnomAD 0.00001; gnomAD exomes 0.00001 and 0.00002; ExAC 0.00002; TOPMed 0.00002; ESP Exome Variant Server 0.00008.
gnomAD v4.1: 11 of 1,613,370 alleles (0.00068%); highest among the groups gnomAD compares: Middle Eastern, 0.016%; no homozygotes.

Submissions (2):

Labcorp Genetics (formerly Invitae), Labcorp
Classification: Uncertain significance for Werner syndrome. Last evaluated: 2025-08-07. Review status: criteria provided, single submitter. Criteria: Invitae Variant Classification Sherloc (09022015). Collection method: clinical testing. Allele origin: germline.
Comment: This sequence change replaces isoleucine, which is neutral and non-polar, with valine, which is neutral and non-polar, at codon 1352 of the WRN protein (p.Ile1352Val). This variant is present in population databases (rs368551262, gnomAD 0.009%). This variant has not been reported in the literature in individuals affected with WRN-related conditions. ClinVar contains an entry for this variant (Variation ID: 528141). An algorithm developed to predict the effect of missense changes on protein structure and function outputs the following: PolyPhen-2: "Benign". The valine amino acid residue is found in multiple mammalian species, which suggests that this missense change does not adversely affect protein function. RNA analysis performed to evaluate the impact of this missense change on mRNA splicing indicates it does not significantly alter splicing (internal data). In summary, the available evidence is currently insufficient to determine the role of this variant in disease. Therefore, it has been classified as a Variant of Uncertain Significance.

Baylor Genetics
Classification: Uncertain significance for Werner syndrome. Last evaluated: 2019-10-12. Review status: criteria provided, single submitter. Criteria: ACMG Guidelines, 2015. Collection method: clinical testing. Allele origin: unknown. Affected: yes. Study: CSER-TexasKidsCanSeq.
Comment: This variant was determined to be of uncertain significance according to ACMG Guidelines, 2015 [PMID:25741868].

NM_000553.6(WRN):c.4054A>G (p.Ile1352Val)

Gene: WRN (WRN RecQ like helicase; plus strand). Cytogenetic location: 8p12.
Variant type: single nucleotide variant.
Coding change: c.4054A>G on transcript NM_000553.6 (MANE Select); coding-DNA position 4054, A replaced by G.
Protein change: p.Ile1352Val; replaces isoleucine 1352 with valine.
Molecular consequence: missense variant.
Genome position (GRCh38, 1-based): chr8:31,167,093, A>G. VCF-style: chr8-31167093-A-G. GRCh37 (hg19) VCF-style: chr8-31024609-A-G.
Other names: short protein forms I1352V.
Identifiers: ClinVar variation 528141 (VCV000528141.10), dbSNP rs368551262, ClinGen allele CA4705254.